The following is an entry in ClinVar:

NM_002382.5(MAX):c.349T>G (p.Ser117Ala)

Gene: MAX (MYC associated transcriptional regulator X; minus strand). Cytogenetic location: 14q23.3.
Variant type: single nucleotide variant.
Coding change: c.349T>G on transcript NM_002382.5 (MANE Select); coding-DNA position 349, T replaced by G.
Protein change: p.Ser117Ala; replaces serine 117 with alanine.
Molecular consequence: missense variant. On other transcripts: 3 prime UTR variant (1), intron variant (2).
Genome position (GRCh38, 1-based): chr14:65,076,610, A>C on the plus strand (T>G on the coding strand, the complement: MAX is on the minus strand). VCF-style: chr14-65076610-A-C. GRCh37 (hg19) VCF-style: chr14-65543328-A-C.
Other names: c.160T>G, p.Ser54Ala (NM_001320415.2, NM_001407105.1, NM_001407106.1 and 1 more transcripts); c.349T>G, p.Ser117Ala (NM_001407094.1); c.322T>G, p.Ser108Ala (NM_001407095.1, NM_145112.3); c.*122T>G (NM_001407096.1, NM_001407099.1, NM_001407102.1 and 2 more transcripts); c.*138T>G (NM_001407097.1, NM_001407100.1, NM_001407101.1 and 4 more transcripts); c.241T>G, p.Ser81Ala (NM_001407098.1); c.148T>G, p.Ser50Ala (NM_001407111.1, NM_001407112.1); c.144+17098T>G (NM_001271069.2); and 1 more; short protein forms S108A, S117A, S54A, S50A, S81A.
Identifiers: ClinVar variation 834746 (VCV000834746.11), dbSNP rs1483314784, ClinGen allele CA390031822.

ClinVar aggregate classification (germline): Uncertain significance. Review status: criteria provided, multiple submitters, no conflicts (2 of 4 stars). 2 submissions from 2 submitters: Uncertain significance (2). Last evaluated 2024-10-28.

Conditions:
Hereditary cancer-predisposing syndrome. Also called: Hereditary Cancer Syndrome; Tumor predisposition; Neoplastic Syndromes, Hereditary; Hereditary neoplastic syndrome. Identifiers: Orphanet 140162, MedGen C0027672, MeSH D009386, MONDO:0015356.
Hereditary pheochromocytoma and paraganglioma. Also called: Hereditary pheochromocytoma-paraganglioma; Hereditary paragangliomas and pheochromocytomas; Hereditary Paraganglioma-Pheochromocytoma Syndromes. Identifiers: Orphanet 29072, MedGen C4274332, MONDO:0017366.

Allele frequency attached by ClinVar (database versions not stated): gnomAD exomes below 0.00001; TOPMed below 0.00001; gnomAD 0.00001.
gnomAD v4.1: 3 of 1,613,738 alleles (0.00019%); highest among the groups gnomAD compares: Non-Finnish European, 0.00025%; no homozygotes.

Submissions (2):

Ambry Genetics
Classification: Uncertain significance for Hereditary cancer-predisposing syndrome. Last evaluated: 2024-10-28. Review status: criteria provided, single submitter. Criteria: Ambry Variant Classification Scheme 2023. Collection method: clinical testing. Allele origin: germline.
Comment: The p.S117A variant (also known as c.349T>G), located in coding exon 5 of the MAX gene, results from a T to G substitution at nucleotide position 349. The serine at codon 117 is replaced by alanine, an amino acid with similar properties. This amino acid position is highly conserved in available vertebrate species. In addition, the in silico prediction for this alteration is inconclusive. Based on the available evidence, the clinical significance of this variant remains unclear.

Labcorp Genetics (formerly Invitae), Labcorp
Classification: Uncertain significance for Hereditary pheochromocytoma and paraganglioma. Last evaluated: 2024-01-03. Review status: criteria provided, single submitter. Criteria: Invitae Variant Classification Sherloc (09022015). Collection method: clinical testing. Allele origin: germline.
Comment: This sequence change replaces serine, which is neutral and polar, with alanine, which is neutral and non-polar, at codon 117 of the MAX protein (p.Ser117Ala). This variant is present in population databases (no rsID available, gnomAD 0.007%). This variant has not been reported in the literature in individuals affected with MAX-related conditions. ClinVar contains an entry for this variant (Variation ID: 834746). An algorithm developed to predict the effect of missense changes on protein structure and function (PolyPhen-2) suggests that this variant is likely to be tolerated. In summary, the available evidence is currently insufficient to determine the role of this variant in disease. Therefore, it has been classified as a Variant of Uncertain Significance.